The following is an entry in ClinVar:

NM_001365999.1(SZT2):c.9202G>A (p.Gly3068Ser)

Gene: SZT2 (SZT2 subunit of KICSTOR complex; plus strand). Cytogenetic location: 1p34.2.
Variant type: single nucleotide variant.
Coding change: c.9202G>A on transcript NM_001365999.1 (MANE Select); coding-DNA position 9202, G replaced by A.
Protein change: p.Gly3068Ser; replaces glycine 3068 with serine.
Molecular consequence: missense variant.
Genome position (GRCh38, 1-based): chr1:43,447,084, G>A. VCF-style: chr1-43447084-G-A. GRCh37 (hg19) VCF-style: chr1-43912755-G-A.
Other names: c.9031G>A, p.Gly3011Ser (NM_015284.4); short protein forms G3011S, G3068S.
Identifiers: ClinVar variation 1063393 (VCV001063393.6), dbSNP rs1655764251, ClinGen allele CA340042480.

ClinVar aggregate classification (germline): Uncertain significance (1 of 4 stars; one submission).

Allele frequency attached by ClinVar (database versions not stated): TOPMed below 0.00001; gnomAD 0.00001; gnomAD exomes 0.00001.

Submission:

Labcorp Genetics (formerly Invitae), Labcorp
Classification: Uncertain significance. Last evaluated: 2021-08-26. Review status: criteria provided, single submitter. Criteria: Invitae Variant Classification Sherloc (09022015). Collection method: clinical testing. Allele origin: germline.
Comment: This sequence change replaces glycine with serine at codon 3011 of the SZT2 protein (p.Gly3011Ser). The glycine residue is highly conserved and there is a small physicochemical difference between glycine and serine. This variant is not present in population databases (ExAC no frequency). This variant has not been reported in the literature in individuals affected with SZT2-related conditions. Algorithms developed to predict the effect of missense changes on protein structure and function are either unavailable or do not agree on the potential impact of this missense change (SIFT: "Tolerated"; PolyPhen-2: "Probably Damaging"; Align-GVGD: "Class C0"). Algorithms developed to predict the effect of sequence changes on RNA splicing suggest that this variant may create or strengthen a splice site. In summary, the available evidence is currently insufficient to determine the role of this variant in disease. Therefore, it has been classified as a Variant of Uncertain Significance.